The following is an entry in ClinVar:

ClinVar aggregate classification (germline): Uncertain significance. Review status: criteria provided, multiple submitters, no conflicts (2 of 4 stars). 2 submissions from 2 submitters: Uncertain significance (2). Last evaluated 2026-05-14.

Conditions:
Hereditary cancer-predisposing syndrome. Also called: Tumor predisposition; Neoplastic Syndromes, Hereditary; Hereditary neoplastic syndrome; Hereditary Cancer Syndrome. Identifiers: Orphanet 140162, MedGen C0027672, MeSH D009386, MONDO:0015356.

Allele frequency attached by ClinVar (database versions not stated): gnomAD exomes 0.00001.
gnomAD v4.1: 8 of 1,614,038 alleles (0.0005%); highest among the groups gnomAD compares: Non-Finnish European, 0.00068%; no homozygotes.

Submissions (2):

Ambry Genetics
Classification: Uncertain significance for Hereditary cancer-predisposing syndrome. Last evaluated: 2026-05-14. Review status: criteria provided, single submitter. Criteria: Ambry Variant Classification Scheme 2023. Collection method: clinical testing. Allele origin: germline.
Comment: The p.E976G variant (also known as c.2927A>G), located in coding exon 21 of the MSH3 gene, results from an A to G substitution at nucleotide position 2927. The glutamic acid at codon 976 is replaced by glycine, an amino acid with similar properties. This amino acid position is highly conserved in available vertebrate species. In addition, this alteration is predicted to be deleterious by in silico analysis. Based on the available evidence, the clinical significance of this variant remains unclear.

Labcorp Genetics (formerly Invitae), Labcorp
Classification: Uncertain significance. Last evaluated: 2025-12-30. Review status: criteria provided, single submitter. Criteria: Invitae Variant Classification Sherloc (09022015). Collection method: clinical testing. Allele origin: germline.
Comment: This sequence change replaces glutamic acid, which is acidic and polar, with glycine, which is neutral and non-polar, at codon 976 of the MSH3 protein (p.Glu976Gly). This variant is not present in population databases (gnomAD no frequency). This variant has not been reported in the literature in individuals affected with MSH3-related conditions. ClinVar contains an entry for this variant (Variation ID: 822277). An algorithm developed to predict the effect of missense changes on protein structure and function (PolyPhen-2) suggests that this variant is likely to be disruptive. In summary, the available evidence is currently insufficient to determine the role of this variant in disease. Therefore, it has been classified as a Variant of Uncertain Significance.

NM_002439.5(MSH3):c.2927A>G (p.Glu976Gly)

Gene: MSH3 (mutS homolog 3; plus strand). Cytogenetic location: 5q14.1.
Variant type: single nucleotide variant.
Coding change: c.2927A>G on transcript NM_002439.5 (MANE Select); coding-DNA position 2927, A replaced by G.
Protein change: p.Glu976Gly; replaces glutamic acid 976 with glycine.
Molecular consequence: missense variant.
Genome position (GRCh38, 1-based): chr5:80,854,243, A>G. VCF-style: chr5-80854243-A-G. GRCh37 (hg19) VCF-style: chr5-80150062-A-G.
Other names: short protein forms E976G.
Identifiers: ClinVar variation 822277 (VCV000822277.16), dbSNP rs1580091577, ClinGen allele CA360275707.